The following is an entry in ClinVar:

ClinVar aggregate classification (germline): Likely benign (1 of 4 stars; one submission).

Allele frequency attached by ClinVar (database versions not stated): gnomAD exomes below 0.00001.
gnomAD v4.1: 1 of 1,555,960 alleles (0.000064%); highest among the groups gnomAD compares: Non-Finnish European, 0.000087%; no homozygotes.

Submission:

GeneDx
Classification: Likely benign. Last evaluated: 2016-08-25. Review status: criteria provided, single submitter. Criteria: GeneDx Variant Classification (06012015). Collection method: clinical testing. Allele origin: germline. Affected: yes.
Comment: This variant is considered likely benign or benign based on one or more of the following criteria: it is a conservative change, it occurs at a poorly conserved position in the protein, it is predicted to be benign by multiple in silico algorithms, and/or has population frequency not consistent with disease.

NM_172107.4(KCNQ2):c.1247+9C>T

Gene: KCNQ2 (potassium voltage-gated channel subfamily Q member 2; minus strand). Cytogenetic location: 20q13.33.
Variant type: single nucleotide variant.
Coding change: c.1247+9C>T on transcript NM_172107.4 (MANE Select); 9 bases into the intron after coding-DNA position 1247, C replaced by T.
Molecular consequence: intron variant.
Genome position (GRCh38, 1-based): chr20:63,424,168, G>A on the plus strand (C>T on the coding strand, the complement: KCNQ2 is on the minus strand). VCF-style: chr20-63424168-G-A. GRCh37 (hg19) VCF-style: chr20-62055521-G-A.
Other names: c.1217+9C>T (NM_004518.6); c.1247+9C>T (NM_172108.5, NM_172106.3).
Identifiers: ClinVar variation 388950 (VCV000388950.1), dbSNP rs1057523283, ClinGen allele CA16608021.
Genomic context (GRCh38, chr20:63,424,168, plus strand): 5'-CACGTGTGGGAGAGAGACCAGACGGCCGTGCACACGGCAGACACCAGGGTAGCAGCAGGG[G>A]GCACTGACCTTGGAGACGGCTCCGGCGGGGGGTCCTTCCTTCAAACAGAAGCAACAGAGA-3'